The following is an entry in ClinVar:

ClinVar aggregate classification (germline): Uncertain significance (1 of 4 stars; one submission).

Conditions:
Cardiovascular phenotype. Identifiers: MedGen CN230736.

Allele frequency attached by ClinVar (database versions not stated): gnomAD exomes below 0.00001; ExAC 0.00001.
gnomAD v4.1: 1 of 1,614,138 alleles (0.000062%); highest among the groups gnomAD compares: Non-Finnish European, 0.000085%; no homozygotes.

Submission:

Ambry Genetics
Classification: Uncertain significance for Cardiovascular phenotype. Last evaluated: 2022-11-21. Review status: criteria provided, single submitter. Criteria: Ambry Variant Classification Scheme 2023. Collection method: clinical testing. Allele origin: germline.
Comment: The p.G1327E variant (also known as c.3980G>A), located in coding exon 25 of the APOB gene, results from a G to A substitution at nucleotide position 3980. The glycine at codon 1327 is replaced by glutamic acid, an amino acid with similar properties. This amino acid position is conserved. In addition, this alteration is predicted to be tolerated by in silico analysis. Since supporting evidence is limited at this time, the clinical significance of this alteration remains unclear.

NM_000384.3(APOB):c.3980G>A (p.Gly1327Glu)

Gene: APOB (apolipoprotein B; minus strand). Cytogenetic location: 2p24.1.
Variant type: single nucleotide variant.
Coding change: c.3980G>A on transcript NM_000384.3 (MANE Select); coding-DNA position 3980, G replaced by A.
Protein change: p.Gly1327Glu; replaces glycine 1327 with glutamic acid.
Molecular consequence: missense variant.
Genome position (GRCh38, 1-based): chr2:21,013,396, C>T on the plus strand (G>A on the coding strand, the complement: APOB is on the minus strand). VCF-style: chr2-21013396-C-T. GRCh37 (hg19) VCF-style: chr2-21236268-C-T.
Other names: short protein forms G1327E.
Identifiers: ClinVar variation 925569 (VCV000925569.5), dbSNP rs773914667, ClinGen allele CA060288.
Genomic context (GRCh38, chr2:21,013,396, plus strand): 5'-TGATACAACTTGGGAATGGTAAAAGTAGGGACTTGGAACTCTCGAGATGGCAGATGGAAT[C>T]CCACAGACTTGAAGTGGAGGGCTGGTGTCCTAACAGTCTCTAACATCTTTAGATCTCTGG-3'
Protein context (NP_000375.3, residues 1317-1337): RTPALHFKSV[Gly1327Glu]FHLPSREFQV